The following is an entry in ClinVar:

ClinVar aggregate classification (germline): Uncertain significance (1 of 4 stars; one submission).

Conditions:
Leukocyte adhesion deficiency 1 (LAD1). Also called: LEUKOCYTE ADHESION DEFICIENCY, TYPE I; LAD 1; Lymphocyte function-associated antigen 1 immunodeficiency; LFA 1 immunodeficiency. Identifiers: Orphanet 2968, Orphanet 99842, MedGen C0398738, MONDO:0007293, OMIM 116920.

Allele frequency attached by ClinVar (database versions not stated): gnomAD exomes 0.00001.
gnomAD v4.1: 2 of 1,609,740 alleles (0.00012%); highest among the groups gnomAD compares: Admixed American, 0.0033%; no homozygotes.

Submission:

Labcorp Genetics (formerly Invitae), Labcorp
Classification: Uncertain significance for Leukocyte adhesion deficiency 1. Last evaluated: 2022-03-19. Review status: criteria provided, single submitter. Criteria: Invitae Variant Classification Sherloc (09022015). Collection method: clinical testing. Allele origin: germline.
Comment: This variant is present in population databases (no rsID available, gnomAD 0.006%). This variant has not been reported in the literature in individuals affected with ITGB2-related conditions. ClinVar contains an entry for this variant (Variation ID: 643991). Variants that disrupt the consensus splice site are a relatively common cause of aberrant splicing (PMID: 17576681, 9536098). Algorithms developed to predict the effect of sequence changes on RNA splicing suggest that this variant is not likely to affect RNA splicing. In summary, the available evidence is currently insufficient to determine the role of this variant in disease. Therefore, it has been classified as a Variant of Uncertain Significance. This sequence change falls in intron 8 of the ITGB2 gene. It does not directly change the encoded amino acid sequence of the ITGB2 protein. It affects a nucleotide within the consensus splice site.

Literature cited by the submitters: PubMed 17576681; PubMed 9536098.

NM_000211.5(ITGB2):c.993+6T>A

Gene: ITGB2 (integrin subunit beta 2; minus strand). Cytogenetic location: 21q22.3.
Variant type: single nucleotide variant.
Coding change: c.993+6T>A on transcript NM_000211.5 (MANE Select); 6 bases into the intron after coding-DNA position 993, T replaced by A.
Molecular consequence: intron variant.
Genome position (GRCh38, 1-based): chr21:44,899,061, A>T on the plus strand (T>A on the coding strand, the complement: ITGB2 is on the minus strand). VCF-style: chr21-44899061-A-T. GRCh37 (hg19) VCF-style: chr21-46318976-A-T.
Other names: c.993+6T>A (NM_001127491.3); c.786+6T>A (NM_001303238.2).
Identifiers: ClinVar variation 643991 (VCV000643991.8), dbSNP rs1374911814, ClinGen allele CA638144219.
Genomic context (GRCh38, chr21:44,899,061, plus strand): 5'-CTGGGTCTGGCCTGTGGCTGAAACATGCCCCCACCCAATGGATGCTCGGGACCCAACAGC[A>T]CTCACCTCGTAGGTCTTCACCATCCTACTGGTCACCGCGAAGATGGGCTGGATGTTGTTT-3'